The following is an entry in ClinVar:

ClinVar aggregate classification (germline): Likely pathogenic (1 of 4 stars; one submission).

Conditions:
Hereditary insensitivity to pain with anhidrosis (CIPA). Also called: NTRK1 Congenital Insensitivity to Pain with Anhidrosis; FAMILIAL DYSAUTONOMIA, TYPE II; INSENSITIVITY TO PAIN, CONGENITAL, WITH ANHIDROSIS; HSAN Type IV; hereditary sensory and autonomic neuropathy type 4; NEUROPATHY, CONGENITAL SENSORY, WITH ANHIDROSIS. Identifiers: Orphanet 642, MedGen C0020074, MONDO:0009746, OMIM 256800.

Allele frequency attached by ClinVar (database versions not stated): TOPMed below 0.00001; ExAC 0.00001.

Submission:

Labcorp Genetics (formerly Invitae), Labcorp
Classification: Likely pathogenic for Hereditary insensitivity to pain with anhidrosis. Last evaluated: 2022-09-07. Review status: criteria provided, single submitter. Criteria: Invitae Variant Classification Sherloc (09022015). Collection method: clinical testing. Allele origin: germline.
Comment: This variant is present in population databases (rs754483923, gnomAD 0.006%). In summary, the currently available evidence indicates that the variant is pathogenic, but additional data are needed to prove that conclusively. Therefore, this variant has been classified as Likely Pathogenic. Algorithms developed to predict the effect of sequence changes on RNA splicing suggest that this variant may disrupt the consensus splice site. This variant has not been reported in the literature in individuals affected with NTRK1-related conditions. This sequence change affects a donor splice site in intron 9 of the NTRK1 gene. It is expected to disrupt RNA splicing. Variants that disrupt the donor or acceptor splice site typically lead to a loss of protein function (PMID: 16199547), and loss-of-function variants in NTRK1 are known to be pathogenic (PMID: 10982191).

Literature cited by the submitters: PubMed 16199547; PubMed 10982191.

NM_002529.4(NTRK1):c.1251+1G>T

Gene: NTRK1 (neurotrophic receptor tyrosine kinase 1; plus strand). Cytogenetic location: 1q23.1.
Variant type: single nucleotide variant.
Coding change: c.1251+1G>T on transcript NM_002529.4 (MANE Select); the canonical splice donor site of the intron after coding-DNA position 1251, G replaced by T.
Molecular consequence: splice donor variant.
Genome position (GRCh38, 1-based): chr1:156,874,627, G>T. VCF-style: chr1-156874627-G-T. GRCh37 (hg19) VCF-style: chr1-156844419-G-T.
Other names: c.1143+1G>T (NM_001007792.1); c.1233+1G>T (NM_001012331.2).
Identifiers: ClinVar variation 2029378 (VCV002029378.4), dbSNP rs754483923, ClinGen allele CA1169253.